The following is an entry in ClinVar:

NM_001013838.3(CARMIL2):c.3323G>A (p.Arg1108His)

Gene: CARMIL2 (capping protein regulator and myosin 1 linker 2; plus strand). Cytogenetic location: 16q22.1.
Variant type: single nucleotide variant.
Coding change: c.3323G>A on transcript NM_001013838.3 (MANE Select); coding-DNA position 3323, G replaced by A.
Protein change: p.Arg1108His; replaces arginine 1108 with histidine.
Molecular consequence: missense variant.
Genome position (GRCh38, 1-based): chr16:67,654,433, G>A. VCF-style: chr16-67654433-G-A. GRCh37 (hg19) VCF-style: chr16-67688336-G-A.
Other names: c.3215G>A, p.Arg1072His (NM_001317026.3); short protein forms R1072H, R1108H.
Identifiers: ClinVar variation 2009480 (VCV002009480.4), dbSNP rs2543577498, ClinGen allele CA396344550.
Genomic context (GRCh38, chr16:67,654,433, plus strand): 5'-CTCCTGTCCCCCGTACACTGCGAAAGAAGCTGGGCACCCTCTTTGCCTTCAAGAAGCCTC[G>A]TTCAACGCGGGGTCCACGGACTGATCTAGAGACCAGCCCTGGGGCAGCTCCCCGAACCCG-3'
Protein context (NP_001013860.1, residues 1098-1118): LGTLFAFKKP[Arg1108His]STRGPRTDLE

ClinVar aggregate classification (germline): Uncertain significance (1 of 4 stars; one submission).

Submission:

Labcorp Genetics (formerly Invitae), Labcorp
Classification: Uncertain significance. Last evaluated: 2022-06-27. Review status: criteria provided, single submitter. Criteria: Invitae Variant Classification Sherloc (09022015). Collection method: clinical testing. Allele origin: germline.
Comment: This variant is not present in population databases (gnomAD no frequency). In summary, the available evidence is currently insufficient to determine the role of this variant in disease. Therefore, it has been classified as a Variant of Uncertain Significance. Algorithms developed to predict the effect of missense changes on protein structure and function are either unavailable or do not agree on the potential impact of this missense change (SIFT: "Tolerated"; PolyPhen-2: "Probably Damaging"; Align-GVGD: "Class C0"). This variant has not been reported in the literature in individuals affected with CARMIL2-related conditions. This sequence change replaces arginine, which is basic and polar, with histidine, which is basic and polar, at codon 1108 of the CARMIL2 protein (p.Arg1108His).